The following is an entry in ClinVar:

ClinVar aggregate classification (germline): Uncertain significance. Review status: reviewed by expert panel (3 of 4 stars). 3 submissions from 3 submitters: Uncertain significance (1). 2 of the submissions do not count toward it. Last evaluated 2025-12-15.

Conditions:
Mucopolysaccharidosis type 1. Also called: IDUA deficiency; MPS I. Identifiers: Orphanet 579, MedGen C0023786, MONDO:0001586.

gnomAD v4.1: 1 of 1,577,548 alleles (0.000063%); highest among the groups gnomAD compares: East Asian, 0.0023%; no homozygotes.

Submissions (3):

ClinGen Lysosomal Storage Disorder Variant Curation Expert Panel
Classification: Uncertain significance for Mucopolysaccharidosis type 1. Last evaluated: 2025-12-15. Review status: reviewed by expert panel. Criteria: ClinGen LSD ACMG Specifications IDUA V1.1.0. Collection method: curation. Allele origin: germline. Inheritance: Autosomal recessive inheritance.
Comment: The NM_000203.4:c.904C>A variant in IDUA is a missense variant predicted to cause substitution of Proline by Threonine at amino acid 302 (p.Pro302Thr). One infant who was homozygous for the variant was identified on NBS with deficient IDUA levels but urine GAGs were in the normal range (PMID: 28728811) (PP4 not met, PM3 not met). The computational predictor REVEL gives a score of 0.941 which is above the threshold of 0.773, evidence that correlates with impact to IDUA function at the moderate level based on the specifications of the ClinGen Lysosomal Diseases VCEP (PMID: 36413997) (PP3_Moderate). The highest population minor allele frequency in gnomAD v4.1.0 is 0.00002 (1/43302 alleles) in the East Asian population, which is lower than the ClinGen Lysosomal Diseases VCEP’s threshold for PM2_Supporting (<0.00025), meeting this criterion (PM2_Supporting). There is a ClinVar entry for this variant (Variation ID: 1067236). In summary, this variant meets the criteria to be classified as a variant of uncertain significance (VUS) for MPS I based on the IDUA-specific ACMG/AMP criteria applied, as specified by the ClinGen Lysosomal Diseases Variant Curation Expert Panel (Specifications Version 1.1.0): PP3_moderate; PM2_supporting (Classification approved by the ClinGen Lysosomal Diseases Variant Curation Expert Panel on December 15, 2025)

Labcorp Genetics (formerly Invitae), Labcorp
Classification: Uncertain significance for Mucopolysaccharidosis type 1. Last evaluated: 2021-09-17. Review status: criteria provided, single submitter. Criteria: Invitae Variant Classification Sherloc (09022015). Collection method: clinical testing. Allele origin: germline. Not counted in ClinVar's aggregate classification.
Comment: This sequence change replaces proline with threonine at codon 302 of the IDUA protein (p.Pro302Thr). The proline residue is highly conserved and there is a small physicochemical difference between proline and threonine. This variant is not present in population databases (ExAC no frequency). This variant has been observed in individual(s) with mucopolysaccharidosis type I (PMID: 28728811). ClinVar contains an entry for this variant (Variation ID: 1067236). Advanced modeling of protein sequence and biophysical properties (such as structural, functional, and spatial information, amino acid conservation, physicochemical variation, residue mobility, and thermodynamic stability) performed at Invitae indicates that this missense variant is expected to disrupt IDUA protein function. In summary, the available evidence is currently insufficient to determine the role of this variant in disease. Therefore, it has been classified as a Variant of Uncertain Significance.

Revvity Omics, Revvity
Classification: Uncertain significance. Last evaluated: 2021-06-09. Review status: criteria provided, single submitter. Criteria: ACMG Guidelines, 2015. Collection method: clinical testing. Allele origin: germline. Not counted in ClinVar's aggregate classification.

Literature cited by the submitters: PubMed 28728811 (cited by Labcorp Genetics (formerly Invitae), Labcorp).

NM_000203.5(IDUA):c.904C>A (p.Pro302Thr)

Gene: IDUA (alpha-L-iduronidase; plus strand). Cytogenetic location: 4p16.3.
Variant type: single nucleotide variant.
Coding change: c.904C>A on transcript NM_000203.5 (MANE Select); coding-DNA position 904, C replaced by A.
Protein change: p.Pro302Thr; replaces proline 302 with threonine.
Molecular consequence: missense variant. On other transcripts: non-coding transcript variant (1).
Genome position (GRCh38, 1-based): chr4:1,002,093, C>A. VCF-style: chr4-1002093-C-A. GRCh37 (hg19) VCF-style: chr4-995881-C-A.
Other names: NM_000203.5(IDUA):c.904C>A; p.Pro302Thr; c.508C>A, p.Pro170Thr (NM_001363576.1); short protein forms P170T, P302T.
Identifiers: ClinVar variation 1067236 (VCV001067236.8), dbSNP rs1715120993, ClinGen allele CA355962529.